The following is an entry in ClinVar:

NM_020937.4(FANCM):c.679C>T (p.Gln227Ter)

Gene: FANCM (FA complementation group M; plus strand). Cytogenetic location: 14q21.2.
Variant type: single nucleotide variant.
Coding change: c.679C>T on transcript NM_020937.4 (MANE Select); coding-DNA position 679, C replaced by T.
Protein change: p.Gln227Ter; replaces glutamine 227 with a stop codon.
Molecular consequence: nonsense.
Genome position (GRCh38, 1-based): chr14:45,137,239, C>T. VCF-style: chr14-45137239-C-T. GRCh37 (hg19) VCF-style: chr14-45606442-C-T.
Other names: c.679C>T, p.Gln227Ter (NM_001308133.2, NM_001308134.2); short protein forms Q227*.
Identifiers: ClinVar variation 949402 (VCV000949402.7), dbSNP rs1209536013, ClinGen allele CA389588981.

ClinVar aggregate classification (germline): Pathogenic (1 of 4 stars; one submission).

Conditions:
Fanconi anemia (FA). Also called: Fanconi's anemia. Identifiers: Orphanet 84, MedGen C0015625, MeSH D005199, MONDO:0019391.

Allele frequency attached by ClinVar (database versions not stated): gnomAD exomes below 0.00001; gnomAD 0.00001.

Submission:

Labcorp Genetics (formerly Invitae), Labcorp
Classification: Pathogenic for Fanconi anemia. Last evaluated: 2019-04-27. Review status: criteria provided, single submitter. Criteria: Invitae Variant Classification Sherloc (09022015). Collection method: clinical testing. Allele origin: germline.
Comment: Loss-of-function variants in FANCM are known to be pathogenic (PMID: 29895858, 30075111). This variant has not been reported in the literature in individuals with FANCM-related conditions. This variant is not present in population databases (ExAC no frequency). This sequence change creates a premature translational stop signal (p.Gln227*) in the FANCM gene. It is expected to result in an absent or disrupted protein product. For these reasons, this variant has been classified as Pathogenic.

Literature cited by the submitters: PubMed 29895858; PubMed 30075111.